The following is an entry in ClinVar:

NM_006204.4(PDE6C):c.1544C>T (p.Pro515Leu)

Gene: PDE6C (phosphodiesterase 6C; plus strand). Cytogenetic location: 10q23.33.
Variant type: single nucleotide variant.
Coding change: c.1544C>T on transcript NM_006204.4 (MANE Select); coding-DNA position 1544, C replaced by T.
Protein change: p.Pro515Leu; replaces proline 515 with leucine.
Molecular consequence: missense variant.
Genome position (GRCh38, 1-based): chr10:93,640,131, C>T. VCF-style: chr10-93640131-C-T. GRCh37 (hg19) VCF-style: chr10-95399888-C-T.
Other names: short protein forms P515L.
Identifiers: ClinVar variation 1939681 (VCV001939681.2), dbSNP rs768709527, ClinGen allele CA5610224.

ClinVar aggregate classification (germline): Uncertain significance (1 of 4 stars; one submission).

gnomAD v4.1: 4 of 1,613,844 alleles (0.00025%); highest among the groups gnomAD compares: Non-Finnish European, 0.00034%; no homozygotes.

Submission:

Labcorp Genetics (formerly Invitae), Labcorp
Classification: Uncertain significance. Last evaluated: 2022-06-22. Review status: criteria provided, single submitter. Criteria: Invitae Variant Classification Sherloc (09022015). Collection method: clinical testing. Allele origin: germline.
Comment: This sequence change replaces proline, which is neutral and non-polar, with leucine, which is neutral and non-polar, at codon 515 of the PDE6C protein (p.Pro515Leu). This variant is present in population databases (rs768709527, gnomAD 0.0009%). This variant has not been reported in the literature in individuals affected with PDE6C-related conditions. Algorithms developed to predict the effect of missense changes on protein structure and function output the following: SIFT: "Deleterious"; PolyPhen-2: "Benign"; Align-GVGD: "Class C15". The leucine amino acid residue is found in multiple mammalian species, which suggests that this missense change does not adversely affect protein function. In summary, the available evidence is currently insufficient to determine the role of this variant in disease. Therefore, it has been classified as a Variant of Uncertain Significance.